The following is an entry in ClinVar:

ClinVar aggregate classification (germline): Uncertain significance. Review status: criteria provided, multiple submitters, no conflicts (2 of 4 stars). 2 submissions from 2 submitters: Uncertain significance (2). Last evaluated 2025-09-20.

Conditions:
Inborn genetic diseases. Identifiers: MedGen C0950123, MeSH D030342.

gnomAD v4.1: 1 of 1,601,222 alleles (0.000062%); highest among the groups gnomAD compares: Non-Finnish European, 0.000085%; no homozygotes.

Submissions (2):

Labcorp Genetics (formerly Invitae), Labcorp
Classification: Uncertain significance. Last evaluated: 2025-09-20. Review status: criteria provided, single submitter. Criteria: Invitae Variant Classification Sherloc (09022015). Collection method: clinical testing. Allele origin: germline.
Comment: This sequence change replaces asparagine, which is neutral and polar, with aspartic acid, which is acidic and polar, at codon 892 of the ZMIZ1 protein (p.Asn892Asp). This variant is not present in population databases (gnomAD no frequency). This variant has not been reported in the literature in individuals affected with ZMIZ1-related conditions. ClinVar contains an entry for this variant (Variation ID: 3473969). Invitae Evidence Modeling of protein sequence and biophysical properties (such as structural, functional, and spatial information, amino acid conservation, physicochemical variation, residue mobility, and thermodynamic stability) indicates that this missense variant is not expected to disrupt ZMIZ1 protein function with a negative predictive value of 95%. In summary, the available evidence is currently insufficient to determine the role of this variant in disease. Therefore, it has been classified as a Variant of Uncertain Significance.

Ambry Genetics
Classification: Uncertain significance for Inborn genetic diseases. Last evaluated: 2024-10-12. Review status: criteria provided, single submitter. Criteria: Ambry Variant Classification Scheme 2023. Collection method: clinical testing. Allele origin: germline.

NM_020338.4(ZMIZ1):c.2674A>G (p.Asn892Asp)

Gene: ZMIZ1 (zinc finger MIZ-type containing 1; plus strand). Cytogenetic location: 10q22.3.
Variant type: single nucleotide variant.
Coding change: c.2674A>G on transcript NM_020338.4 (MANE Select); coding-DNA position 2674, A replaced by G.
Protein change: p.Asn892Asp; replaces asparagine 892 with aspartic acid.
Molecular consequence: missense variant.
Genome position (GRCh38, 1-based): chr10:79,307,410, A>G. VCF-style: chr10-79307410-A-G. GRCh37 (hg19) VCF-style: chr10-81067167-A-G.
Other names: short protein forms N892D.
Identifiers: ClinVar variation 3473969 (VCV003473969.2).